The following is an entry in ClinVar:

NM_017999.5(RNF31):c.1152G>C (p.Leu384Phe)

Gene: RNF31 (ring finger protein 31; plus strand). Cytogenetic location: 14q12.
Variant type: single nucleotide variant.
Coding change: c.1152G>C on transcript NM_017999.5 (MANE Select); coding-DNA position 1152, G replaced by C.
Protein change: p.Leu384Phe; replaces leucine 384 with phenylalanine.
Molecular consequence: missense variant.
Genome position (GRCh38, 1-based): chr14:24,150,403, G>C. VCF-style: chr14-24150403-G-C. GRCh37 (hg19) VCF-style: chr14-24619612-G-C.
Other names: c.699G>C, p.Leu233Phe (NM_001310332.2); short protein forms L384F, L233F.
Identifiers: ClinVar variation 4723763 (VCV004723763.1).
Genomic context (GRCh38, chr14:24,150,403, plus strand): 5'-GGCAGCTGCTGTGCTATGTTCCATATGTGAGCGACCTCGGCTGGCCCAGCCTCCCAGCTT[G>C]GTGGTGGATTCCCGAGATGCTGGCATTTGCCTGCAACCCCTTCAGGTAACTGGCCTTCCC-3'
Protein context (NP_060469.4, residues 374-394): ERPRLAQPPS[Leu384Phe]VVDSRDAGIC

ClinVar aggregate classification (germline): Uncertain significance (1 of 4 stars; one submission).

Submission:

Labcorp Genetics (formerly Invitae), Labcorp
Classification: Uncertain significance. Last evaluated: 2025-10-27. Review status: criteria provided, single submitter. Criteria: Invitae Variant Classification Sherloc (09022015). Collection method: clinical testing. Allele origin: germline.
Comment: This sequence change replaces leucine, which is neutral and non-polar, with phenylalanine, which is neutral and non-polar, at codon 384 of the RNF31 protein (p.Leu384Phe). This variant is not present in population databases (gnomAD no frequency). This variant has not been reported in the literature in individuals affected with RNF31-related conditions. An algorithm developed to predict the effect of missense changes on protein structure and function (PolyPhen-2) suggests that this variant is likely to be tolerated. In summary, the available evidence is currently insufficient to determine the role of this variant in disease. Therefore, it has been classified as a Variant of Uncertain Significance.